The following is an entry in ClinVar:

ClinVar aggregate classification (germline): Pathogenic (1 of 4 stars; one submission).

Conditions:
Hereditary breast ovarian cancer syndrome. Also called: Hereditary breast and/or ovarian cancer syndrome; Hereditary breast and ovarian cancer syndrome (HBOC); Breast and ovarian cancer; Hereditary breast and ovarian cancer; BRCA1- and BRCA2-Associated Hereditary Breast and Ovarian Cancer; Hereditary breast and ovarian cancer syndrome. Identifiers: Orphanet 145, MedGen C0677776, MeSH D061325, MONDO:0003582. Disease mechanism: loss of function.

Submission:

Labcorp Genetics (formerly Invitae), Labcorp
Classification: Pathogenic for Hereditary breast and ovarian cancer syndrome. Last evaluated: 2019-10-29. Review status: criteria provided, single submitter. Criteria: Invitae Variant Classification Sherloc (09022015). Collection method: clinical testing. Allele origin: germline.
Comment: This variant is a gross deletion of the genomic region encompassing non-coding exon 1 and exons 2-3 of the BRCA1 gene, which includes the initiator codon. The 5' end of this event is unknown as it extends beyond the assayed region for this gene and therefore may encompass additional genes. The 3' boundary is likely confined to intron 3 of the BRCA1 gene. This is expected to result in an absent or disrupted protein product. Deletion of exons 1-3 has been observed in individuals affected with breast and ovarian cancer (PMID: 15951958). Loss-of-function variants in BRCA1 are known to be pathogenic (PMID: 20104584). For these reasons, this variant has been classified as Pathogenic.

Literature cited by the submitters: PubMed 15951958.

NC_000017.11:g.(?_43115614)_(43125483_?)del

Gene: BRCA1 (BRCA1 DNA repair associated; minus strand). Cytogenetic location: 17q21.31.
Variant type: Deletion.
Identifiers: ClinVar variation 831951 (VCV000831951.1).